The following is an entry in ClinVar:

ClinVar aggregate classification (germline): Conflicting classifications of pathogenicity. Review status: criteria provided, conflicting classifications (1 of 4 stars). 2 submissions from 2 submitters: Uncertain significance (1); Likely benign (1). Last evaluated 2023-08-01.

Conditions:
Early-infantile DEE. Also called: Ohtahara syndrome; Early infantile epileptic encephalopathy; Early infantile epileptic encephalopathy with suppression bursts. Identifiers: Orphanet 1934, MedGen C0393706, MONDO:0800491.

Allele frequency attached by ClinVar (database versions not stated): ExAC 0.00002; gnomAD 0.00003; gnomAD exomes 0.00004; TOPMed 0.00002.
gnomAD v4.1: 11 of 1,614,012 alleles (0.00068%); highest among the groups gnomAD compares: East Asian, 0.022%; no homozygotes.

Submissions (2):

Labcorp Genetics (formerly Invitae), Labcorp
Classification: Uncertain significance for Early-infantile DEE. Last evaluated: 2023-08-01. Review status: criteria provided, single submitter. Criteria: Invitae Variant Classification Sherloc (09022015). Collection method: clinical testing. Allele origin: germline.
Comment: Advanced modeling of protein sequence and biophysical properties (such as structural, functional, and spatial information, amino acid conservation, physicochemical variation, residue mobility, and thermodynamic stability) has been performed at Invitae for this missense variant, however the output from this modeling did not meet the statistical confidence thresholds required to predict the impact of this variant on SPTAN1 protein function. This variant has not been reported in the literature in individuals affected with SPTAN1-related conditions. ClinVar contains an entry for this variant (Variation ID: 207317). In summary, the available evidence is currently insufficient to determine the role of this variant in disease. Therefore, it has been classified as a Variant of Uncertain Significance. This sequence change replaces serine, which is neutral and polar, with asparagine, which is neutral and polar, at codon 416 of the SPTAN1 protein (p.Ser416Asn). This variant is present in population databases (rs773663318, gnomAD 0.07%).

GeneDx
Classification: Likely benign. Last evaluated: 2015-07-12. Review status: criteria provided, single submitter. Criteria: GeneDx Variant Classification (06012015). Collection method: clinical testing. Allele origin: germline. Affected: yes.
Comment: This variant is considered likely benign or benign based on one or more of the following criteria: it is a conservative change, it occurs at a poorly conserved position in the protein, it is predicted to be benign by multiple in silico algorithms, and/or has population frequency not consistent with disease.

NM_001130438.3(SPTAN1):c.1247G>A (p.Ser416Asn)

Gene: SPTAN1 (spectrin alpha, non-erythrocytic 1; plus strand). Cytogenetic location: 9q34.11.
Variant type: single nucleotide variant.
Coding change: c.1247G>A on transcript NM_001130438.3 (MANE Select); coding-DNA position 1247, G replaced by A.
Protein change: p.Ser416Asn; replaces serine 416 with asparagine.
Molecular consequence: missense variant.
Genome position (GRCh38, 1-based): chr9:128,579,662, G>A. VCF-style: chr9-128579662-G-A. GRCh37 (hg19) VCF-style: chr9-131341941-G-A.
Other names: p.S416N:AGC>AAC; c.1247G>A, p.Ser416Asn (NM_001195532.2, NM_001363759.2, NM_001363765.2 and 1 more transcripts); short protein forms S416N.
Identifiers: ClinVar variation 207317 (VCV000207317.4), dbSNP rs773663318, ClinGen allele CA318666.